The following is an entry in ClinVar:

ClinVar aggregate classification (germline): Uncertain significance (1 of 4 stars; one submission).

Submission:

GeneDx
Classification: Uncertain significance. Last evaluated: 2024-09-03. Review status: criteria provided, single submitter. Criteria: GeneDx Variant Classification Process June 2021. Collection method: clinical testing. Allele origin: germline. Affected: yes.
Comment: Not observed at significant frequency in large population cohorts (gnomAD); In silico analysis indicates that this variant does not alter splicing; Has not been previously published as pathogenic or benign to our knowledge

NM_000719.7(CACNA1C):c.3828G>A (p.Lys1276=)

Gene: CACNA1C (calcium voltage-gated channel subunit alpha1 C; plus strand). Cytogenetic location: 12p13.33.
Variant type: single nucleotide variant.
Coding change: c.3828G>A on transcript NM_000719.7 (MANE Select); coding-DNA position 3828, G replaced by A.
Protein change: p.Lys1276=; no amino-acid change (lysine 1276 retained).
Molecular consequence: synonymous variant.
Genome position (GRCh38, 1-based): chr12:2,612,013, G>A. VCF-style: chr12-2612013-G-A. GRCh37 (hg19) VCF-style: chr12-2721179-G-A.
Other names: c.3888G>A, p.Lys1296= (NM_001129827.2, NM_001129832.2, NM_199460.4); c.3828G>A, p.Lys1276= (NM_001129829.2, NM_001129830.3, NM_001129831.2 and 15 more transcripts); c.3819G>A, p.Lys1273= (NM_001129844.2).
Identifiers: ClinVar variation 3765987 (VCV003765987.1).
Genomic context (GRCh38, chr12:2,612,013, plus strand): 5'-GCTCTTCACTGGCCTCTTCACCGTGGAGATGATCCTGAAGCTCATTGCCTTCAAACCCAA[G>A]GTAGGCCTCTGAGAAAGACCTTTGATTCCCAGGCATCAGGGGTGGACAGAACGGGGAGGT-3'
Protein context (NP_000710.5, residues 1266-1286): MILKLIAFKP[Lys1276=]HYFCDAWNTF